The following is an entry in ClinVar:

NM_002528.7(NTHL1):c.-20G>T

Genes: NTHL1 (nth like DNA glycosylase 1; minus strand), LOC130058209 (ATAC-STARR-seq lymphoblastoid active region 10253; plus strand). Cytogenetic location: 16p13.3.
Variant type: single nucleotide variant.
Coding change: c.-20G>T on transcript NM_002528.7 (MANE Select); 20 bases upstream of the start codon, G replaced by T.
Genome position (GRCh38, 1-based): chr16:2,047,843, C>A on the plus strand (G>T on the coding strand, the complement: NTHL1 is on the minus strand). VCF-style: chr16-2047843-C-A. GRCh37 (hg19) VCF-style: chr16-2097844-C-A.
Other names: c.5G>T (NM_002528.5); short protein forms C2F.
Identifiers: ClinVar variation 837424 (VCV000837424.17), dbSNP rs749337739, ClinGen allele CA027801.

ClinVar aggregate classification (germline): Conflicting classifications of pathogenicity. Review status: criteria provided, conflicting classifications (1 of 4 stars). 4 submissions from 4 submitters: Uncertain significance (2); Likely benign (2). Last evaluated 2025-03-04.

Conditions:
Hereditary cancer-predisposing syndrome. Also called: Hereditary Cancer Syndrome; Neoplastic Syndromes, Hereditary; Hereditary neoplastic syndrome; Tumor predisposition. Identifiers: Orphanet 140162, MedGen C0027672, MeSH D009386, MONDO:0015356.

Allele frequency attached by ClinVar (database versions not stated): TOPMed 0.00002; gnomAD exomes 0.00009; ExAC 0.00025.

Submissions (4):

Center for Genomic Medicine, Rigshospitalet, Copenhagen University Hospital
Classification: Likely benign. Last evaluated: 2025-03-04. Review status: criteria provided, single submitter. Criteria: ACMG Guidelines, 2015. Collection method: clinical testing. Allele origin: germline.

Ambry Genetics
Classification: Likely benign for Hereditary cancer-predisposing syndrome. Last evaluated: 2024-12-12. Review status: criteria provided, single submitter. Criteria: Ambry Variant Classification Scheme 2023. Collection method: clinical testing. Allele origin: germline.

Blueprint Genetics
Classification: Uncertain significance. Last evaluated: 2024-11-07. Review status: criteria provided, single submitter. Criteria: ACMG Guidelines, 2015. Collection method: clinical testing. Allele origin: germline.

Labcorp Genetics (formerly Invitae), Labcorp
Classification: Uncertain significance. Last evaluated: 2024-11-06. Review status: criteria provided, single submitter. Criteria: Invitae Variant Classification Sherloc (09022015). Collection method: clinical testing. Allele origin: germline.
Comment: This sequence change replaces cysteine, which is neutral and slightly polar, with phenylalanine, which is neutral and non-polar, at codon 2 of the NTHL1 protein (p.Cys2Phe). This variant is present in population databases (rs749337739, gnomAD 0.1%). This variant has not been reported in the literature in individuals affected with NTHL1-related conditions. ClinVar contains an entry for this variant (Variation ID: 837424). An algorithm developed to predict the effect of missense changes on protein structure and function (PolyPhen-2) suggests that this variant is likely to be disruptive. In summary, the available evidence is currently insufficient to determine the role of this variant in disease. Therefore, it has been classified as a Variant of Uncertain Significance.